The following is an entry in ClinVar:

ClinVar aggregate classification (germline): Uncertain significance (1 of 4 stars; one submission).

Conditions:
Familial cancer of breast. Also called: Hereditary breast cancer; BREAST CANCER, FAMILIAL; hereditary breast carcinoma. Identifiers: Orphanet 227535, MedGen C0346153, MONDO:0016419, OMIM 114480. Disease mechanism: loss of function.

Submission:

Labcorp Genetics (formerly Invitae), Labcorp
Classification: Uncertain significance for Familial cancer of breast. Last evaluated: 2024-04-05. Review status: criteria provided, single submitter. Criteria: Invitae Variant Classification Sherloc (09022015). Collection method: clinical testing. Allele origin: germline.
Comment: This sequence change replaces arginine, which is basic and polar, with serine, which is neutral and polar, at codon 565 of the BARD1 protein (p.Arg565Ser). This variant is not present in population databases (gnomAD no frequency). This variant has not been reported in the literature in individuals affected with BARD1-related conditions. An algorithm developed to predict the effect of missense changes on protein structure and function (PolyPhen-2) suggests that this variant is likely to be disruptive. In summary, the available evidence is currently insufficient to determine the role of this variant in disease. Therefore, it has been classified as a Variant of Uncertain Significance.

NM_000465.4(BARD1):c.1693C>A (p.Arg565Ser)

Gene: BARD1 (BRCA1 associated RING domain 1; minus strand). Cytogenetic location: 2q35.
Variant type: single nucleotide variant.
Coding change: c.1693C>A on transcript NM_000465.4 (MANE Select); coding-DNA position 1693, C replaced by A.
Protein change: p.Arg565Ser; replaces arginine 565 with serine.
Molecular consequence: missense variant. On other transcripts: non-coding transcript variant (3), intron variant (1).
Genome position (GRCh38, 1-based): chr2:214,745,839, G>T on the plus strand (C>A on the coding strand, the complement: BARD1 is on the minus strand). VCF-style: chr2-214745839-G-T. GRCh37 (hg19) VCF-style: chr2-215610563-G-T.
Other names: c.1636C>A, p.Arg546Ser (NM_001282543.2); c.340C>A, p.Arg114Ser (NM_001282545.2); c.283C>A, p.Arg95Ser (NM_001282548.2); c.365-15331C>A (NM_001282549.2); short protein forms R114S, R95S, R565S, R546S.
Identifiers: ClinVar variation 2756422 (VCV002756422.3), dbSNP rs587782279, ClinGen allele CA350453286.
Genomic context (GRCh38, chr2:214,745,839, plus strand): 5'-GCATTTTCTGTTGTTCTGAAGACAGCCCACTGCCTATAAGTACAAGAGGTCCATCCCTAC[G>T]CTGCCCAGTGTTCATCTGTTAATATAAAAGGAGATACCAGTGTTAAAAACATTAGACGAC-3'
Protein context (NP_000456.2, residues 555-575): SHCSVMNTGQ[Arg565Ser]RDGPLVLIGS